The following is an entry in ClinVar:

NM_001942.4(DSG1):c.2437A>G (p.Thr813Ala)

Genes: DSG1 (desmoglein 1; plus strand), DSG1-AS1 (DSG1 antisense RNA 1; minus strand), LOC126862720 (MED14-independent group 3 enhancer GRCh37_chr18:28933613-28934812; plus strand). Cytogenetic location: 18q12.1.
Variant type: single nucleotide variant.
Coding change: c.2437A>G on transcript NM_001942.4 (MANE Select); coding-DNA position 2437, A replaced by G.
Protein change: p.Thr813Ala; replaces threonine 813 with alanine.
Molecular consequence: missense variant.
Genome position (GRCh38, 1-based): chr18:31,354,633, A>G. VCF-style: chr18-31354633-A-G. GRCh37 (hg19) VCF-style: chr18-28934596-A-G.
Other names: c.2437A>G (NM_001942.2); short protein forms T813A.
Identifiers: ClinVar variation 1436745 (VCV001436745.9), dbSNP rs745890800, ClinGen allele CA8926356.
Genomic context (GRCh38, chr18:31,354,633, plus strand): 5'-GTTAGTGGACACCCACCAATCTCCCCACATTTCGGCACTACCACAGTAATTTCTGAGAGC[A>G]CCTATCCCTCGGGACCTGGTGTACTGCATCCTAAGCCTATTCTCGATCCTCTGGGCTATG-3'
Protein context (NP_001933.2, residues 803-823): FGTTTVISES[Thr813Ala]YPSGPGVLHP

ClinVar aggregate classification (germline): Uncertain significance. Review status: criteria provided, multiple submitters, no conflicts (2 of 4 stars). 2 submissions from 2 submitters: Uncertain significance (2). Last evaluated 2026-01-12.

Conditions:
Inborn genetic diseases. Identifiers: MedGen C0950123, MeSH D030342.

Allele frequency attached by ClinVar (database versions not stated): TOPMed below 0.00001; ExAC 0.00001; gnomAD 0.00001; gnomAD exomes 0.00001.
gnomAD v4.1: 6 of 1,613,992 alleles (0.00037%); highest among the groups gnomAD compares: Admixed American, 0.0033%; no homozygotes.

Submissions (2):

Labcorp Genetics (formerly Invitae), Labcorp
Classification: Uncertain significance. Last evaluated: 2026-01-12. Review status: criteria provided, single submitter. Criteria: Invitae Variant Classification Sherloc (09022015). Collection method: clinical testing. Allele origin: germline.
Comment: This sequence change replaces threonine, which is neutral and polar, with alanine, which is neutral and non-polar, at codon 813 of the DSG1 protein (p.Thr813Ala). This variant is present in population databases (rs745890800, gnomAD 0.006%). This variant has not been reported in the literature in individuals affected with DSG1-related conditions. ClinVar contains an entry for this variant (Variation ID: 1436745). Invitae Evidence Modeling of protein sequence and biophysical properties (such as structural, functional, and spatial information, amino acid conservation, physicochemical variation, residue mobility, and thermodynamic stability) indicates that this missense variant is not expected to disrupt DSG1 protein function with a negative predictive value of 80%. In summary, the available evidence is currently insufficient to determine the role of this variant in disease. Therefore, it has been classified as a Variant of Uncertain Significance.

Ambry Genetics
Classification: Uncertain significance for Inborn genetic diseases. Last evaluated: 2024-03-15. Review status: criteria provided, single submitter. Criteria: Ambry Variant Classification Scheme 2023. Collection method: clinical testing. Allele origin: germline.